The following is an entry in ClinVar:

NM_170682.4(P2RX2):c.306dup (p.Glu103fs)

Gene: P2RX2 (purinergic receptor P2X 2; plus strand). Cytogenetic location: 12q24.33.
Variant type: Duplication.
Coding change: c.306dup on transcript NM_170682.4 (MANE Select); coding-DNA position 306, one base duplicated (C; older notation c.306dupC).
Protein change: p.Glu103fs; shifts the reading frame from glutamic acid 103.
Molecular consequence: frameshift variant. On other transcripts: intron variant (1).
Genome position (GRCh38, 1-based): chr12:132,619,571, C duplicated; the last of 6 consecutive C bases (chr12:132,619,566-132,619,571); duplicating any one gives the same sequence. VCF-style (leftmost placement, unchanged base first): chr12-132619565-G-GC. GRCh37 (hg19) VCF-style: chr12-133196151-G-GC.
Other names: c.306dup, p.Glu103fs (NM_001282164.2, NM_001282165.2, NM_016318.4 and 2 more transcripts); c.238dup, p.Arg80fs (NM_012226.5); c.106-273dup (NM_174872.3); short protein forms E103fs, R80fs.
Identifiers: ClinVar variation 3624985 (VCV003624985.2).

ClinVar aggregate classification (germline): Uncertain significance (1 of 4 stars; one submission).

Submission:

Labcorp Genetics (formerly Invitae), Labcorp
Classification: Uncertain significance. Last evaluated: 2024-12-19. Review status: criteria provided, single submitter. Criteria: Invitae Variant Classification Sherloc (09022015). Collection method: clinical testing. Allele origin: germline.
Comment: This sequence change creates a premature translational stop signal (p.Glu103Argfs*169) in the P2RX2 gene. It is expected to result in an absent or disrupted protein product. However, the current clinical and genetic evidence is not sufficient to establish whether loss-of-function variants in P2RX2 cause disease. This variant is not present in population databases (gnomAD no frequency). This variant has not been reported in the literature in individuals affected with P2RX2-related conditions. In summary, the available evidence is currently insufficient to determine the role of this variant in disease. Therefore, it has been classified as a Variant of Uncertain Significance.